The following is an entry in ClinVar:

NM_001164508.2(NEB):c.2575C>G (p.Leu859Val)

Gene: NEB (nebulin; minus strand). Cytogenetic location: 2q23.3.
Variant type: single nucleotide variant.
Coding change: c.2575C>G on transcript NM_001164508.2 (MANE Select); coding-DNA position 2575, C replaced by G.
Protein change: p.Leu859Val; replaces leucine 859 with valine.
Molecular consequence: missense variant.
Genome position (GRCh38, 1-based): chr2:151,687,481, G>C on the plus strand (C>G on the coding strand, the complement: NEB is on the minus strand). VCF-style: chr2-151687481-G-C. GRCh37 (hg19) VCF-style: chr2-152543995-G-C.
Other names: c.2575C>G, p.Leu859Val (NM_001164507.2, NM_001271208.2, NM_004543.5); short protein forms L859V.
Identifiers: ClinVar variation 2633830 (VCV002633830.1), dbSNP rs2099511721, ClinGen allele CA348822655.
Genomic context (GRCh38, chr2:151,687,481, plus strand): 5'-CACTCTGGTTTTTGGCTGTCTTCAAGGAGTGCAGCATCTTTGGATCGTCATTAATGCTGA[G>C]GGCTCCAATCATTTTCCCTTTGCTCTTTTCATAGTCTTTCTTGTACATCACCTGCAAAGA-3'
Protein context (NP_001157980.2, residues 849-869): EKSKGKMIGA[Leu859Val]SINDDPKMLH

ClinVar aggregate classification (germline): Uncertain significance (1 of 4 stars; one submission).

Conditions:
NEB-related disorder. Also called: NEB-Related Disorders; NEB-related condition.

Allele frequency attached by ClinVar (database versions not stated): gnomAD exomes below 0.00001; TOPMed below 0.00001.
gnomAD v4.1: 1 of 1,613,980 alleles (0.000062%); highest among the groups gnomAD compares: African/African-American, 0.0013%; no homozygotes.

Submission:

PreventionGenetics, part of Exact Sciences
Classification: Uncertain significance for NEB-related condition. Last evaluated: 2023-03-17. Review status: criteria provided, single submitter. Criteria: ACMG Guidelines, 2015. Collection method: clinical testing. Allele origin: germline.
Comment: The NEB c.2575C>G variant is predicted to result in the amino acid substitution p.Leu859Val. To our knowledge, this variant has not been reported in the literature or in a large population database, indicating this variant is rare. At this time, the clinical significance of this variant is uncertain due to the absence of conclusive functional and genetic evidence.